The following is an entry in ClinVar:

ClinVar aggregate classification (germline): Conflicting classifications of pathogenicity. Review status: criteria provided, conflicting classifications (1 of 4 stars). 6 submissions from 4 submitters: Uncertain significance (2); Likely benign (1). 3 of the submissions do not count toward it. Last evaluated 2026-03-27.

Conditions:
HEMOGLOBIN CAMDEN.
HEMOGLOBIN MOTOWN.
HEMOGLOBIN TOKUCHI.

Allele frequency attached by ClinVar (database versions not stated): gnomAD exomes below 0.00001; TOPMed below 0.00001.

Submissions (6):

Women's Health and Genetics/Laboratory Corporation of America, LabCorp
Classification: Uncertain significance. Last evaluated: 2026-03-27. Review status: criteria provided, single submitter. Criteria: LabCorp Variant Classification Summary - May 2015. Collection method: clinical testing. Allele origin: germline.
Comment: Variant summary: HBB c.394C>G (p.Gln132Glu) results in a conservative amino acid change located in the Globin domain of the encoded protein sequence. Algorithms developed to predict the effect of missense changes on protein structure and function are either unavailable or do not agree on the potential impact of this missense change. The variant was absent in 251350 control chromosomes. The available data on variant occurrences in the general population are insufficient to allow any conclusion about variant significance. c.394C>G has been reported in the literature in asymptomatic individuals and individuals affected with mild Hemoglobinopathy (example, Cohen_1973). These reports do not provide unequivocal conclusions about association of the variant with Hemoglobinopathy. The functional properties of Hb-Camden in the heterozygous state appear to be normal, oxygen affinity appears to be normal, and no abnormalities in haem-haem interaction or Bohr shift was detected (Cohen_1973). However, other variants at this position have been reported as associated with B-thalassemia (c.394C>T, c.394C>A; Ithanet database), suggesting the codon might be important for gene function. The following publications have been ascertained in the context of this evaluation (PMID: 4550044, 17583531, 26635043, 7357091, 808079, 6859036, 700140, 19500561, 20309827, 24200101). ClinVar contains an entry for this variant (Variation ID: 439160). Based on the evidence outlined above, the variant was classified as VUS-possibly benign.

Quest Diagnostics Nichols Institute San Juan Capistrano
Classification: Uncertain significance. Last evaluated: 2025-03-10. Review status: criteria provided, single submitter. Criteria: Quest Diagnostics criteria. Collection method: clinical testing. Allele origin: unknown.
Comment: The HBB c.394C>G (p.Gln132Glu) variant has been reported in the published literature in individuals described as reportedly healthy individuals (PMIDs: 4550044 (1973), 808079 (1975)), suspected of anemia and/or hemoglobinopathy (PMIDs: 20309827 (2010), 24200101 (2014), 26635043 (2016)), or affected with alpha thalassemia (PMID: 7357091 (1980)). Functional studies have reported this variant to have normal stability and normal oxygen affinity (HbVar and PMID: 4550044 (1973)). This variant has not been reported in large, multi-ethnic general populations (Genome Aggregation Database). Based on the available information, we are unable to determine the clinical significance of this variant.

ARUP Laboratories, Molecular Genetics and Genomics, ARUP Laboratories
Classification: Likely benign. Last evaluated: 2025-02-19. Review status: criteria provided, single submitter. Criteria: ARUP Molecular Germline Variant Investigation Process 2024. Collection method: clinical testing. Allele origin: germline.
Comment: The Hb Camden variant (HBB: c.394C>G; p.Gln132Glu, also known as Gln131Glu when numbered from the mature protein, rs33910209, HbVar ID: 535, ClinVar Variation ID: 439160), is a stable hemoglobin variant with normal oxygen affinity and has not been associated with any significant clinical symptoms in the heterozygote state or when identified in trans with Hb S (see HbVar link, Blackwell 1975, Cohen 1973). Additionally, Hb Camden has been identified in an individual with Hb S trait and alpha thal trait and is reported to be functionally equivalent to Hb A (Honig 1980). This variant is also absent from the Genome Aggregation Database (v2.1.1) indicating it is not a common polymorphism. Computational analyses are uncertain whether this variant is neutral or deleterious (REVEL: 0.560). Based on available information, the Hb Camden variant is considered to be likely benign. References: Link to HbVar database: Blackwell RQ et al. Double heterozygosity for hemoglobin Camden (beta 131 Gln yields Glu) and hemoglobin S in an American negro. Vox Sang. 1975 28(1):50-6. PMID: 1114786. Cohen PT et al. Letter: Amino-acid substitution in the alpha 1 beta 1 intersubunit contact of haemoglobin-Camden beta 131 (h9) g1n leads to g1u. Nature. 1973 243(5408):467-8. PMID: 4550044. Honig GR et al. Two new sickle cell syndromes: HbS, Hb Camden, and alpha-thalassemia; and HbS in combination with Hb Tacoma. Blood. 1980 55(4):655-60. PMID: 7357091.

OMIM
Classification: other for HEMOGLOBIN CAMDEN. Last evaluated: 1980-04-01. Review status: no assertion criteria provided. Collection method: literature only. Allele origin: germline. Not counted in ClinVar's aggregate classification.

OMIM
Classification: other for HEMOGLOBIN MOTOWN. Last evaluated: 1980-04-01. Review status: no assertion criteria provided. Collection method: literature only. Allele origin: germline. Not counted in ClinVar's aggregate classification.

OMIM
Classification: other for HEMOGLOBIN TOKUCHI. Last evaluated: 1980-04-01. Review status: no assertion criteria provided. Collection method: literature only. Allele origin: germline. Not counted in ClinVar's aggregate classification.

Literature cited by the submitters: PubMed 700140 (cited by Women's Health and Genetics/Laboratory Corporation of America, LabCorp); PubMed 808079 (cited by Women's Health and Genetics/Laboratory Corporation of America, LabCorp and Quest Diagnostics Nichols Institute San Juan Capistrano); PubMed 4550044 (cited by Women's Health and Genetics/Laboratory Corporation of America, LabCorp and Quest Diagnostics Nichols Institute San Juan Capistrano); PubMed 6859036 (cited by Women's Health and Genetics/Laboratory Corporation of America, LabCorp and Quest Diagnostics Nichols Institute San Juan Capistrano); PubMed 7357091 (cited by 3 submitters); PubMed 24200101 (cited by Women's Health and Genetics/Laboratory Corporation of America, LabCorp and Quest Diagnostics Nichols Institute San Juan Capistrano); PubMed 26635043 (cited by Women's Health and Genetics/Laboratory Corporation of America, LabCorp and Quest Diagnostics Nichols Institute San Juan Capistrano); PubMed 20309827 (cited by Women's Health and Genetics/Laboratory Corporation of America, LabCorp and Quest Diagnostics Nichols Institute San Juan Capistrano); PubMed 19500561 (cited by Women's Health and Genetics/Laboratory Corporation of America, LabCorp); PubMed 17583531 (cited by Women's Health and Genetics/Laboratory Corporation of America, LabCorp); PubMed 1173714 (cited by Quest Diagnostics Nichols Institute San Juan Capistrano and OMIM); PubMed 37654068 (cited by Quest Diagnostics Nichols Institute San Juan Capistrano); PubMed 6128334 (cited by Quest Diagnostics Nichols Institute San Juan Capistrano); PubMed 1114786 (cited by Quest Diagnostics Nichols Institute San Juan Capistrano); PubMed 6082467 (cited by OMIM); Gibb, E. A. Increased subunit association of a new superstable variant hemoglobin Motown. Clin. Res. 29: 795A, 1981. Note: Sponsored by D. L. Rucknagel. (cited by OMIM); Shibata, S., Iuchi, I., Miyaji, T., Ueda, S., Yamashita, K., Suzuno, R. A case of hemolytic disease associated with the production of Heinz bodies and of an abnormal hemoglobin (Hb Ube-1). Med. Biol. 59: 79-84, 1961. (cited by OMIM).

NM_000518.5(HBB):c.394C>G (p.Gln132Glu)

Genes: HBB (hemoglobin subunit beta; minus strand), LOC107133510 (origin of replication at HBB; plus strand), LOC110006319 (beta-globin gene 3' regulatory region; plus strand). Cytogenetic location: 11p15.4.
Variant type: single nucleotide variant.
Coding change: c.394C>G on transcript NM_000518.5 (MANE Select); coding-DNA position 394, C replaced by G.
Protein change: p.Gln132Glu; replaces glutamine 132 with glutamic acid.
Molecular consequence: missense variant.
Genome position (GRCh38, 1-based): chr11:5,225,648, G>C on the plus strand (C>G on the coding strand, the complement: HBB is on the minus strand). VCF-style: chr11-5225648-G-C. GRCh37 (hg19) VCF-style: chr11-5246878-G-C.
Other names: Q131E; Hb Camden; Hb Motown; Hb Tokuchi; short protein forms Q132E.
Identifiers: ClinVar variation 439160 (VCV000439160.22), dbSNP rs33910209, ClinGen allele CA217112422.
Genomic context (GRCh38, chr11:5,225,648, plus strand): 5'-GAAAGCGAGCTTAGTGATACTTGTGGGCCAGGGCATTAGCCACACCAGCCACCACTTTCT[G>C]ATAGGCAGCCTGCACTGGTGGGGTGAATTCTTTGCCAAAGTGATGGGCCAGCACACAGAC-3'
Protein context (NP_000509.1, residues 122-142): EFTPPVQAAY[Gln132Glu]KVVAGVANAL